The following is an entry in ClinVar:

NM_133433.4(NIPBL):c.-79-1569_-79-1562del

Gene: NIPBL (NIPBL cohesin loading factor; plus strand). Cytogenetic location: 5p13.2.
Variant type: Deletion.
Coding change: c.-79-1569_-79-1562del on transcript NM_133433.4 (MANE Select); 1569 bases into the intron before 79 bases upstream of the start codon through 1562 bases into the intron before 79 bases upstream of the start codon, 8 bases deleted (TGTGTGCG; older notation c.-79-1569_-79-1562delTGTGTGCG).
Molecular consequence: intron variant.
Genome position (GRCh38, 1-based): chr5:36,952,049-36,952,056, TGTGTGCG deleted; deleting any 8 consecutive bases within chr5:36,952,048-36,952,056 gives the same sequence; the c. name uses the placement nearest the transcript's 3' end. VCF-style (leftmost placement, unchanged base first): chr5-36952047-TGTGTGTGC-T. GRCh37 (hg19) VCF-style: chr5-36952149-TGTGTGTGC-T.
Other names: c.-79-1569_-79-1562del (NM_015384.5).
Identifiers: ClinVar variation 2655414 (VCV002655414.24), dbSNP rs1376905109, ClinGen allele CA559012032.
Genomic context (GRCh38, chr5:36,952,047, plus strand): 5'-CTATGGATGCTTACTTTATAACTCTGTTAAACTGTGTGTGTGTGTGTGTGTGTGTGTGTG[TGTGTGTGC>T]GCGCGCGCGCGCGCGCGCATGTGTGTGTGTAGCAGTTTAATGTACCTTTGTGCAATAGGT-3'

ClinVar aggregate classification (germline): Benign (1 of 4 stars; one submission).

Submission:

CeGaT Center for Human Genetics Tuebingen
Classification: Benign. Last evaluated: 2022-04-01. Review status: criteria provided, single submitter. Criteria: CeGaT Center For Human Genetics Tuebingen Variant Classification Criteria Version 2. Collection method: clinical testing. Allele origin: germline. Affected: yes. Observed: 1 variant allele.
Comment: NIPBL: BS1, BS2